The following is an entry in ClinVar:

NM_003718.5(CDK13):c.2563G>A (p.Asp855Asn)

Gene: CDK13 (cyclin dependent kinase 13; plus strand). Cytogenetic location: 7p14.1.
Variant type: single nucleotide variant.
Coding change: c.2563G>A on transcript NM_003718.5 (MANE Select); coding-DNA position 2563, G replaced by A.
Protein change: p.Asp855Asn; replaces aspartic acid 855 with asparagine.
Molecular consequence: missense variant.
Genome position (GRCh38, 1-based): chr7:40,047,840, G>A. VCF-style: chr7-40047840-G-A. GRCh37 (hg19) VCF-style: chr7-40087439-G-A.
Other names: c.2563G>A, p.Asp855Asn (NM_031267.4); short protein forms D855N.
Identifiers: ClinVar variation 1339033 (VCV001339033.3), dbSNP rs2150517037, ClinGen allele CA367280846.

ClinVar aggregate classification (germline): Likely pathogenic. Review status: criteria provided, multiple submitters, no conflicts (2 of 4 stars). 2 submissions from 2 submitters: Likely pathogenic (2). Last evaluated 2025-03-07.

Conditions:
Neurodevelopmental abnormality. Identifiers: MedGen C4022737, HP:0012759.
Congenital heart defects, dysmorphic facial features, and intellectual developmental disorder (CHDFIDD). Identifiers: Orphanet 646278, MedGen C4479246, MONDO:0044302, OMIM 617360.

Submissions (2):

Clinical Genetics Laboratory, Skane University Hospital Lund
Classification: Likely pathogenic for Neurodevelopmental abnormality. Last evaluated: 2025-03-07. Review status: criteria provided, single submitter. Criteria: ACMG Guidelines, 2015. Collection method: clinical testing. Allele origin: germline. Affected: yes.
Comment: PS4, PM2, PM5, PP3

Neuberg Centre For Genomic Medicine, NCGM
Classification: Likely pathogenic for Congenital heart defects, dysmorphic facial features, and intellectual developmental disorder. Review status: criteria provided, single submitter. Criteria: ACMG Guidelines, 2015. Collection method: clinical testing. Allele origin: germline. Affected: yes.
Comment: The missense variant p.D855N in CDK13 (NM_003718.5) has not been reported previously as a pathogenic variant nor as a benign variant, to our knowledge. The variant is present in the protein kinase domain wherein previously disease causing missense mutations have been reported (Hamilton MJ et al). The p.D855N variant is novel (not in any individuals) in gnomAD Exomes and is novel (not in any individuals) in 1000 Genomes. The p.D855N missense variant is predicted to be damaging by both SIFT and PolyPhen2. The aspartic acid residue at codon 855 of CDK13 is conserved in all mammalian species. The nucleotide c.2563 in CDK13 is predicted conserved by GERP++ and PhyloP across 100 vertebrates. For these reasons, this variant has been classified as Likely Pathogenic.